The following is an entry in ClinVar:

NM_152263.4(TPM3):c.59T>C (p.Leu20Pro)

Gene: TPM3 (tropomyosin 3; minus strand). Cytogenetic location: 1q21.3.
Variant type: single nucleotide variant.
Coding change: c.59T>C on transcript NM_152263.4 (MANE Select); coding-DNA position 59, T replaced by C.
Protein change: p.Leu20Pro; replaces leucine 20 with proline.
Molecular consequence: missense variant. On other transcripts: non-coding transcript variant (1).
Genome position (GRCh38, 1-based): chr1:154,191,960, A>G on the plus strand (T>C on the coding strand, the complement: TPM3 is on the minus strand). VCF-style: chr1-154191960-A-G. GRCh37 (hg19) VCF-style: chr1-154164436-A-G.
Other names: c.59T>C, p.Leu20Pro (NM_001364679.2, NM_001364680.2, NM_001364681.2 and 1 more transcripts); short protein forms L20P.
Identifiers: ClinVar variation 931230 (VCV000931230.4), dbSNP rs1663698070, ClinGen allele CA342587472.

ClinVar aggregate classification (germline): Uncertain significance. Review status: criteria provided, multiple submitters, no conflicts (2 of 4 stars). 2 submissions from 2 submitters: Uncertain significance (2). Last evaluated 2025-05-28.

Conditions:
Congenital myopathy 4B, autosomal recessive. Also called: Nemaline myopathy 1, autosomal dominant or recessive. Identifiers: Orphanet 171433, Orphanet 171439, Orphanet 171881, MedGen C5829889, MONDO:0012239, OMIM 609284.
Congenital myopathy with fiber type disproportion. Also called: Congenital fiber-type disproportion; Congenital fiber-type disproportion myopathy. Identifiers: Orphanet 2020, MedGen C0546264, MONDO:0009711. Inheritance: all.

Allele frequency attached by ClinVar (database versions not stated): gnomAD exomes below 0.00001.
gnomAD v4.1: 3 of 1,613,976 alleles (0.00019%); highest among the groups gnomAD compares: Non-Finnish European, 0.00025%; no homozygotes.

Submissions (2):

Labcorp Genetics (formerly Invitae), Labcorp
Classification: Uncertain significance for Congenital myopathy with fiber type disproportion; Congenital myopathy 4B, autosomal recessive. Last evaluated: 2025-05-28. Review status: criteria provided, single submitter. Criteria: Invitae Variant Classification Sherloc (09022015). Collection method: clinical testing. Allele origin: germline.
Comment: This sequence change replaces leucine, which is neutral and non-polar, with proline, which is neutral and non-polar, at codon 20 of the TPM3 protein (p.Leu20Pro). This variant is not present in population databases (gnomAD no frequency). This variant has not been reported in the literature in individuals affected with TPM3-related conditions. ClinVar contains an entry for this variant (Variation ID: 931230). Invitae Evidence Modeling of protein sequence and biophysical properties (such as structural, functional, and spatial information, amino acid conservation, physicochemical variation, residue mobility, and thermodynamic stability) indicates that this missense variant is not expected to disrupt TPM3 protein function with a negative predictive value of 95%. In summary, the available evidence is currently insufficient to determine the role of this variant in disease. Therefore, it has been classified as a Variant of Uncertain Significance.

Centre for Mendelian Genomics, University Medical Centre Ljubljana
Classification: Uncertain significance for Congenital myopathy 4A, autosomal dominant. Last evaluated: 2018-09-27. Review status: criteria provided, single submitter. Criteria: ACMG Guidelines, 2015. Collection method: clinical testing. Allele origin: unknown. Affected: yes.
Comment: This variant was classified as: Uncertain significance. The available evidence on this variant's pathogenicity is insufficient or conflicting. The following ACMG criteria were applied in classifying this variant: PM2,PP3.